The following is an entry in ClinVar:

NM_198576.4(AGRN):c.20C>G (p.Pro7Arg)

Gene: AGRN (agrin; plus strand). Cytogenetic location: 1p36.33.
Variant type: single nucleotide variant.
Coding change: c.20C>G on transcript NM_198576.4 (MANE Select); coding-DNA position 20, C replaced by G.
Protein change: p.Pro7Arg; replaces proline 7 with arginine.
Molecular consequence: missense variant.
Genome position (GRCh38, 1-based): chr1:1,020,192, C>G. VCF-style: chr1-1020192-C-G. GRCh37 (hg19) VCF-style: chr1-955572-C-G.
Other names: c.20C>G, p.Pro7Arg (NM_001305275.2); short protein forms P7R.
Identifiers: ClinVar variation 1519726 (VCV001519726.6), dbSNP rs1389840850, ClinGen allele CA337809438.

ClinVar aggregate classification (germline): Uncertain significance (1 of 4 stars; one submission).

Conditions:
Congenital myasthenic syndrome 8. Also called: MYASTHENIC SYNDROME, CONGENITAL, DUE TO AGRIN DEFICIENCY; Myasthenic syndrome, congenital, 8, with pre- and postsynaptic defects. Identifiers: Orphanet 590, MedGen C3808739, MONDO:0014052, OMIM 615120.

gnomAD v4.1: 28 of 1,360,418 alleles (0.0021%); highest among the groups gnomAD compares: Non-Finnish European, 0.0025%; no homozygotes.

Submission:

Labcorp Genetics (formerly Invitae), Labcorp
Classification: Uncertain significance for Congenital myasthenic syndrome 8. Last evaluated: 2022-07-19. Review status: criteria provided, single submitter. Criteria: Invitae Variant Classification Sherloc (09022015). Collection method: clinical testing. Allele origin: germline.
Comment: In summary, the available evidence is currently insufficient to determine the role of this variant in disease. Therefore, it has been classified as a Variant of Uncertain Significance. Algorithms developed to predict the effect of missense changes on protein structure and function are either unavailable or do not agree on the potential impact of this missense change (SIFT: "Tolerated"; PolyPhen-2: "Not Available"; Align-GVGD: "Class C0"). ClinVar contains an entry for this variant (Variation ID: 1519726). This variant has not been reported in the literature in individuals affected with AGRN-related conditions. This variant is not present in population databases (gnomAD no frequency). This sequence change replaces proline, which is neutral and non-polar, with arginine, which is basic and polar, at codon 7 of the AGRN protein (p.Pro7Arg).